The following is an entry in ClinVar:

NM_005068.3(SIM1):c.1741A>G (p.Arg581Gly)

Gene: SIM1 (SIM bHLH transcription factor 1; minus strand). Cytogenetic location: 6q16.3.
Variant type: single nucleotide variant.
Coding change: c.1741A>G on transcript NM_005068.3 (MANE Select); coding-DNA position 1741, A replaced by G.
Protein change: p.Arg581Gly; replaces arginine 581 with glycine.
Molecular consequence: missense variant.
Genome position (GRCh38, 1-based): chr6:100,390,921, T>C on the plus strand (A>G on the coding strand, the complement: SIM1 is on the minus strand). VCF-style: chr6-100390921-T-C. GRCh37 (hg19) VCF-style: chr6-100838797-T-C.
Other names: c.1741A>G, p.Arg581Gly (NM_001374769.1); short protein forms R581G.
Identifiers: ClinVar variation 3046262 (VCV003046262.3), dbSNP rs1004357606, ClinGen allele CA144530217.

ClinVar aggregate classification (germline): Uncertain significance (1 of 4 stars; one submission).

Conditions:
SIM1-related disorder. Also called: SIM1-related condition; SIM1-related disorders.

Allele frequency attached by ClinVar (database versions not stated): gnomAD exomes 0.00002; gnomAD 0.00005; TOPMed 0.00019.
gnomAD v4.1: 21 of 1,614,068 alleles (0.0013%); highest among the groups gnomAD compares: Admixed American, 0.025%; no homozygotes.

Submission:

PreventionGenetics, part of Exact Sciences
Classification: Uncertain significance for SIM1-related condition. Last evaluated: 2025-04-14. Review status: criteria provided, single submitter. Criteria: ACMG Guidelines, 2015. Collection method: clinical testing. Allele origin: germline.
Comment: The SIM1 c.1741A>G variant is predicted to result in the amino acid substitution p.Arg581Gly. This variant has been reported in a child with Prader-Willi syndrome-like features, though this variant did not have a significant effect on SIM1 protein activity (Bonnefond et al. 2013. PubMed ID: 23778136). It was also identified in the heterozygous state in a single individual in a study of children with obesity and hyperphagia; it was interpreted as a variant of uncertain significance in that study (Supplementary Table 1, Roberts et al. 2022. PubMed ID: 35562395). This variant is reported in 0.0056% of alleles in individuals of Latino descent in gnomAD. At this time, the clinical significance of this variant is uncertain due to the absence of conclusive functional and genetic evidence.